The following is an entry in ClinVar:

NM_000397.4(CYBB):c.253-8A>G

Gene: CYBB (cytochrome b-245 beta chain; plus strand). Cytogenetic location: Xp21.1.
Variant type: single nucleotide variant.
Coding change: c.253-8A>G on transcript NM_000397.4 (MANE Select); 8 bases into the intron before coding-DNA position 253, A replaced by G.
Molecular consequence: intron variant.
Genome position (GRCh38, 1-based): chrX:37,791,967, A>G. VCF-style: chrX-37791967-A-G. GRCh37 (hg19) VCF-style: chrX-37651220-A-G.
Identifiers: ClinVar variation 418152 (VCV000418152.10), dbSNP rs1064793093, ClinGen allele CA16621366.
Genomic context (GRCh38, chrX:37,791,967, plus strand): 5'-AATGTTTGACACATAGCAAGCTTTCCTGTTAACAATTACTATTCCATTCTTTCCCCCTTA[A>G]TCCAAAGTGCTGCTCAACAAGAGTTCGAAGACAACTGGACAGGAATCTCACCTTTCATAA-3'

ClinVar aggregate classification (germline): Conflicting classifications of pathogenicity. Review status: criteria provided, conflicting classifications (1 of 4 stars). 2 submissions from 2 submitters: Likely pathogenic (1); Uncertain significance (1). Last evaluated 2021-06-18.

Conditions:
Granulomatous disease, chronic, X-linked. Also called: GRANULOMATOUS DISEASE, CHRONIC, X-LINKED, SOMATIC MOSAIC; CYTOCHROME b-NEGATIVE GRANULOMATOUS DISEASE, CHRONIC, X-LINKED. Identifiers: Orphanet 379, MedGen C1844376, MONDO:0010600, OMIM 306400.

Submissions (2):

Labcorp Genetics (formerly Invitae), Labcorp
Classification: Likely pathogenic for Granulomatous disease, chronic, X-linked. Last evaluated: 2021-06-18. Review status: criteria provided, single submitter. Criteria: Invitae Variant Classification Sherloc (09022015). Collection method: clinical testing. Allele origin: germline.
Comment: In summary, the currently available evidence indicates that the variant is pathogenic, but additional data are needed to prove that conclusively. Therefore, this variant has been classified as Likely Pathogenic. Algorithms developed to predict the effect of sequence changes on RNA splicing suggest that this variant may disrupt the consensus splice site, but this prediction has not been confirmed by published transcriptional studies. This variant has been observed in individual(s) with chronic granulomatous disease (PMID: 9585602, 29560547, Invitae). ClinVar contains an entry for this variant (Variation ID: 418152). This variant is not present in population databases (ExAC no frequency). This sequence change falls in intron 3 of the CYBB gene. It does not directly change the encoded amino acid sequence of the CYBB protein.

GeneDx
Classification: Uncertain significance. Last evaluated: 2016-03-14. Review status: criteria provided, single submitter. Criteria: GeneDx Variant Classification (06012015). Collection method: clinical testing. Allele origin: germline. Affected: yes.
Comment: The c.253-8 A>G variant has been published previously in association with chronic granulomatous disease (Rae et al., 1998). cDNA studies by Rae et al. indicate this variant causes a frameshift with termination in exon 4; however, no protein studies were performed. c.253-8 A>G was not observed in approximately 6,500 individuals of European and African American ancestry in the NHLBI Exome Sequencing Project, indicating it is not a common benign variant in these populations. Several in-silico splice prediction models predict that c.253-8 A>G creates a cryptic acceptor site which may supplant the natural acceptor site and lead to abnormal gene splicing. However, in the absence of RNA/functional studies, the actual effect of this sequence change is unknown. Therefore, based on the currently available information, it is unclear whether this variant is a pathogenic variant or a rare benign variant.

Literature cited by the submitters: PubMed 9585602 (cited by Labcorp Genetics (formerly Invitae), Labcorp); PubMed 29560547 (cited by Labcorp Genetics (formerly Invitae), Labcorp).